The following is an entry in ClinVar:

NM_015692.5(CPAMD8):c.3001G>A (p.Val1001Ile)

Gene: CPAMD8 (C3 and PZP like alpha-2-macroglobulin domain containing 8; minus strand). Cytogenetic location: 19p13.11.
Variant type: single nucleotide variant.
Coding change: c.3001G>A on transcript NM_015692.5 (MANE Select); coding-DNA position 3001, G replaced by A.
Protein change: p.Val1001Ile; replaces valine 1001 with isoleucine.
Molecular consequence: missense variant.
Genome position (GRCh38, 1-based): chr19:16,929,085, C>T on the plus strand (G>A on the coding strand, the complement: CPAMD8 is on the minus strand). VCF-style: chr19-16929085-C-T. GRCh37 (hg19) VCF-style: chr19-17039895-C-T.
Other names: short protein forms V1001I.
Identifiers: ClinVar variation 2182030 (VCV002182030.4), dbSNP rs374273186, ClinGen allele CA9285113.
Genomic context (GRCh38, chr19:16,929,085, plus strand): 5'-CGGGCTCTCCCATCTTGCTGGTGGAGATCCATGACCTGGTGTTCTGATGCCCCCCCAGGA[C>T]GATCTCGATCATGCCTGCTGTGTCCTGGGGCCCAGAAGACAAGGCCACACGGGCATCATT-3'
Protein context (NP_056507.3, residues 991-1011): PQDTAGMIEI[Val1001Ile]LGGHQNTRSW

ClinVar aggregate classification (germline): Uncertain significance (1 of 4 stars; one submission).

Allele frequency attached by ClinVar (database versions not stated): ExAC 0.00002; gnomAD 0.00003; gnomAD exomes 0.00003; TOPMed 0.00003; ESP Exome Variant Server 0.00008.
gnomAD v4.1: 47 of 1,613,970 alleles (0.0029%); highest among the groups gnomAD compares: East Asian, 0.0045%; no homozygotes.

Submission:

Labcorp Genetics (formerly Invitae), Labcorp
Classification: Uncertain significance. Last evaluated: 2023-08-17. Review status: criteria provided, single submitter. Criteria: Invitae Variant Classification Sherloc (09022015). Collection method: clinical testing. Allele origin: germline.
Comment: This sequence change replaces valine, which is neutral and non-polar, with isoleucine, which is neutral and non-polar, at codon 1048 of the CPAMD8 protein (p.Val1048Ile). This variant is present in population databases (rs374273186, gnomAD 0.006%). This variant has not been reported in the literature in individuals affected with CPAMD8-related conditions. ClinVar contains an entry for this variant (Variation ID: 2182030). An algorithm developed to predict the effect of missense changes on protein structure and function (PolyPhen-2) suggests that this variant is likely to be disruptive. In summary, the available evidence is currently insufficient to determine the role of this variant in disease. Therefore, it has been classified as a Variant of Uncertain Significance.